The following is an entry in ClinVar:

ClinVar aggregate classification (germline): Conflicting classifications of pathogenicity. Review status: criteria provided, conflicting classifications (1 of 4 stars). 6 submissions from 6 submitters: Uncertain significance (1); Benign (2); Likely benign (2). 1 of the submissions does not count toward it. Last evaluated 2026-01-28.

Conditions:
MFSD8-related disorder. Also called: MFSD8-related condition.
Inborn genetic diseases. Identifiers: MedGen C0950123, MeSH D030342.
Neuronal ceroid lipofuscinosis 7 (CLN7). Also called: MFSD8-Related Neuronal Ceroid-Lipofuscinosis. Identifiers: Orphanet 168491, Orphanet 228366, MedGen C1838571, MONDO:0012588, OMIM 610951.

Allele frequency attached by ClinVar (database versions not stated): 1000 Genomes Project 30x 0.00016; 1000 Genomes Project 0.00040; TOPMed 0.00060; gnomAD 0.00066 and 0.00073; ESP Exome Variant Server 0.00085.
gnomAD v4.1: 189 of 1,614,184 alleles (0.012%); highest among the groups gnomAD compares: African/African-American, 0.23%; no homozygotes.

Submissions (6):

Labcorp Genetics (formerly Invitae), Labcorp
Classification: Benign for Neuronal ceroid lipofuscinosis 7. Last evaluated: 2026-01-28. Review status: criteria provided, single submitter. Criteria: Invitae Variant Classification Sherloc (09022015). Collection method: clinical testing. Allele origin: germline.

Blueprint Genetics
Classification: Likely benign. Last evaluated: 2024-10-22. Review status: criteria provided, single submitter. Criteria: ACMG Guidelines, 2015. Collection method: clinical testing. Allele origin: germline.

Ambry Genetics
Classification: Likely benign for Inborn genetic diseases. Last evaluated: 2018-06-13. Review status: criteria provided, single submitter. Criteria: Ambry Variant Classification Scheme 2023. Collection method: clinical testing. Allele origin: germline.

Illumina Laboratory Services, Illumina
Classification: Uncertain significance for Neuronal ceroid lipofuscinosis 7. Last evaluated: 2018-01-12. Review status: criteria provided, single submitter. Criteria: ICSL Variant Classification Criteria 13 December 2019. Collection method: clinical testing. Allele origin: germline.

GeneDx
Classification: Benign. Last evaluated: 2014-03-05. Review status: criteria provided, single submitter. Criteria: GeneDx Variant Classification (06012015). Collection method: clinical testing. Allele origin: germline. Affected: yes.
Comment: This variant is considered likely benign or benign based on one or more of the following criteria: it is a conservative change, it occurs at a poorly conserved position in the protein, it is predicted to be benign by multiple in silico algorithms, and/or has population frequency not consistent with disease.

PreventionGenetics, part of Exact Sciences
Classification: Likely benign for MFSD8-related condition. Last evaluated: 2019-09-13. Review status: no assertion criteria provided. Collection method: clinical testing. Allele origin: germline. Not counted in ClinVar's aggregate classification.
Comment: This variant is classified as likely benign based on ACMG/AMP sequence variant interpretation guidelines (Richards et al. 2015 PMID: 25741868, with internal and published modifications).

NM_001371596.2(MFSD8):c.1287C>T (p.Gly429=)

Gene: MFSD8 (major facilitator superfamily domain containing 8; minus strand). Cytogenetic location: 4q28.2.
Variant type: single nucleotide variant.
Coding change: c.1287C>T on transcript NM_001371596.2 (MANE Select); coding-DNA position 1287, C replaced by T.
Protein change: p.Gly429=; no amino-acid change (glycine 429 retained).
Molecular consequence: synonymous variant. On other transcripts: 3 prime UTR variant (1).
Genome position (GRCh38, 1-based): chr4:127,921,587, G>A on the plus strand (C>T on the coding strand, the complement: MFSD8 is on the minus strand). VCF-style: chr4-127921587-G-A. GRCh37 (hg19) VCF-style: chr4-128842742-G-A.
Other names: p.G429G:GGC>GGT; c.1086C>T, p.Gly362= (NM_001363520.3); c.972C>T, p.Gly324= (NM_001363521.3); c.1152C>T, p.Gly384= (NM_001371590.2); c.1287C>T, p.Gly429= (NM_001371591.2, NM_152778.4); c.1293C>T, p.Gly431= (NM_001371592.2); c.1173C>T, p.Gly391= (NM_001371593.2); c.1140C>T, p.Gly380= (NM_001371594.2); and 3 more.
Identifiers: ClinVar variation 138224 (VCV000138224.21), dbSNP rs138072045, ClinGen allele CA292090.